The following is an entry in ClinVar:

ClinVar aggregate classification (germline): Likely benign. Review status: criteria provided, multiple submitters, no conflicts (2 of 4 stars). 3 submissions from 3 submitters: Likely benign (3). Last evaluated 2025-03-14.

Conditions:
Prostate cancer, hereditary, 9 (HPC9). Identifiers: Orphanet 1331, MedGen C1970250, MONDO:0012597, OMIM 610997.
Hereditary cancer-predisposing syndrome. Also called: Hereditary Cancer Syndrome; Neoplastic Syndromes, Hereditary; Tumor predisposition; Hereditary neoplastic syndrome. Identifiers: Orphanet 140162, MedGen C0027672, MeSH D009386, MONDO:0015356.

Allele frequency attached by ClinVar (database versions not stated): gnomAD exomes below 0.00001.
gnomAD v4.1: 4 of 1,604,296 alleles (0.00025%); highest among the groups gnomAD compares: East Asian, 0.0022%; no homozygotes.

Submissions (3):

Ambry Genetics
Classification: Likely benign for Hereditary cancer-predisposing syndrome. Last evaluated: 2025-03-14. Review status: criteria provided, single submitter. Criteria: Ambry Variant Classification Scheme 2023. Collection method: clinical testing. Allele origin: germline.

Myriad Genetics, Inc.
Classification: Likely benign for Prostate cancer, hereditary, 9. Last evaluated: 2024-10-30. Review status: criteria provided, single submitter. Criteria: Myriad Autosomal Dominant, Autosomal Recessive and X-Linked Classification Criteria (2023). Collection method: clinical testing. Allele origin: unknown.
Comment: This variant is considered likely benign. This variant is intronic and is not expected to impact mRNA splicing.

Labcorp Genetics (formerly Invitae), Labcorp
Classification: Likely benign. Last evaluated: 2023-12-18. Review status: criteria provided, single submitter. Criteria: Invitae Variant Classification Sherloc (09022015). Collection method: clinical testing. Allele origin: germline.

NM_006361.6(HOXB13):c.602-4G>T

Gene: HOXB13 (homeobox B13; minus strand). Cytogenetic location: 17q21.32.
Variant type: single nucleotide variant.
Coding change: c.602-4G>T on transcript NM_006361.6 (MANE Select); 4 bases into the intron before coding-DNA position 602, G replaced by T.
Molecular consequence: intron variant.
Genome position (GRCh38, 1-based): chr17:48,727,047, C>A on the plus strand (G>T on the coding strand, the complement: HOXB13 is on the minus strand). VCF-style: chr17-48727047-C-A. GRCh37 (hg19) VCF-style: chr17-46804409-C-A.
Other names: c.602-4G>T (NM_006361.5).
Identifiers: ClinVar variation 1024340 (VCV001024340.12), dbSNP rs1214157618, ClinGen allele CA626687083.
Genomic context (GRCh38, chr17:48,727,047, plus strand): 5'-GTTTCTTGCGGCCGCGACGAAAGGCGCAGGCGTCAGGAGGGTGCTGCCCGCTGGAGTCTG[C>A]GCGGCGTGAAAGGGAGGGAGGAAAAGGCATGGTCAGATACCCACCCATGCAGACCCAGGC-3'